The following is an entry in ClinVar:

ClinVar aggregate classification (germline): Uncertain significance. Review status: criteria provided, multiple submitters, no conflicts (2 of 4 stars). 2 submissions from 2 submitters: Uncertain significance (2). Last evaluated 2025-12-20.

Conditions:
Hereditary cancer-predisposing syndrome. Also called: Neoplastic Syndromes, Hereditary; Hereditary neoplastic syndrome; Tumor predisposition; Hereditary Cancer Syndrome. Identifiers: Orphanet 140162, MedGen C0027672, MeSH D009386, MONDO:0015356.

Submissions (2):

Ambry Genetics
Classification: Uncertain significance for Hereditary cancer-predisposing syndrome. Last evaluated: 2025-12-20. Review status: criteria provided, single submitter. Criteria: Ambry Variant Classification Scheme 2023. Collection method: clinical testing. Allele origin: germline.
Comment: The p.E1240D variant (also known as c.3720G>T), located in coding exon 30 of the POLE gene, results from a G to T substitution at nucleotide position 3720. The glutamic acid at codon 1240 is replaced by aspartic acid, an amino acid with highly similar properties. This amino acid position is conserved. In addition, this alteration is predicted to be tolerated by in silico analysis. Based on the available evidence, the clinical significance of this variant remains unclear.

Labcorp Genetics (formerly Invitae), Labcorp
Classification: Uncertain significance. Last evaluated: 2025-12-01. Review status: criteria provided, single submitter. Criteria: Invitae Variant Classification Sherloc (09022015). Collection method: clinical testing. Allele origin: germline.
Comment: This sequence change replaces glutamic acid, which is acidic and polar, with aspartic acid, which is acidic and polar, at codon 1240 of the POLE protein (p.Glu1240Asp). This variant is not present in population databases (gnomAD no frequency). This variant has not been reported in the literature in individuals affected with POLE-related conditions. ClinVar contains an entry for this variant (Variation ID: 567110). Invitae Evidence Modeling of protein sequence and biophysical properties (such as structural, functional, and spatial information, amino acid conservation, physicochemical variation, residue mobility, and thermodynamic stability) indicates that this missense variant is not expected to disrupt POLE protein function with a negative predictive value of 80%. In summary, the available evidence is currently insufficient to determine the role of this variant in disease. Therefore, it has been classified as a Variant of Uncertain Significance.

NM_006231.4(POLE):c.3720G>T (p.Glu1240Asp)

Gene: POLE (DNA polymerase epsilon, catalytic subunit; minus strand). Cytogenetic location: 12q24.33.
Variant type: single nucleotide variant.
Coding change: c.3720G>T on transcript NM_006231.4 (MANE Select); coding-DNA position 3720, G replaced by T.
Protein change: p.Glu1240Asp; replaces glutamic acid 1240 with aspartic acid.
Molecular consequence: missense variant.
Genome position (GRCh38, 1-based): chr12:132,649,752, C>A on the plus strand (G>T on the coding strand, the complement: POLE is on the minus strand). VCF-style: chr12-132649752-C-A. GRCh37 (hg19) VCF-style: chr12-133226338-C-A.
Other names: c.3720G>T (NM_006231.2); short protein forms E1240D.
Identifiers: ClinVar variation 567110 (VCV000567110.9), dbSNP rs1565946565, ClinGen allele CA387386349.
Genomic context (GRCh38, chr12:132,649,752, plus strand): 5'-GGCGGGAGGCTGCCCCAAGATTTCCTGCCAGGGCACAGTCGGCGTGAGGTCCTGGGACTC[C>A]TCCTGGCTCTCCCAAAGAACTCGCTTCCTCTTCACAGTGACAGGGGCTGCTGGGTGAGGC-3'
Protein context (NP_006222.2, residues 1230-1250): KRKRVLWESQ[Glu1240Asp]ESQDLTPTVP